The following is an entry in ClinVar:

NM_006785.3(MALT1):c.1019-2A>G

Gene: MALT1 (MALT1 paracaspase; plus strand). Cytogenetic location: 18q21.32.
Variant type: single nucleotide variant.
Coding change: c.1019-2A>G on transcript NM_006785.3; the canonical splice acceptor site of the intron before coding-DNA position 1019, A replaced by G.
Molecular consequence: splice acceptor variant (on NM_006785.4).
Genome position (GRCh38, 1-based): chr18:58,723,046, A>G. VCF-style: chr18-58723046-A-G. GRCh37 (hg19) VCF-style: chr18-56390278-A-G.
Other names: c.1019-2A>G (NM_006785.4); c.986-2A>G (NM_173844.3).
Identifiers: ClinVar variation 242617 (VCV000242617.3), dbSNP rs786200953.

ClinVar aggregate classification (germline): Likely pathogenic (1 of 4 stars; one submission).

Conditions:
Combined immunodeficiency due to MALT1 deficiency. Also called: Immunodeficiency 12. Identifiers: Orphanet 397964, MedGen C3809583, MONDO:0014197, OMIM 615468.

Submission:

Labcorp Genetics (formerly Invitae), Labcorp
Classification: Likely pathogenic for Combined immunodeficiency due to MALT1 deficiency. Last evaluated: 2024-09-03. Review status: criteria provided, single submitter. Criteria: Invitae Variant Classification Sherloc (09022015). Collection method: clinical testing. Allele origin: germline.
Comment: This sequence change affects an acceptor splice site in intron 9 of the MALT1 gene. It is expected to disrupt RNA splicing. Variants that disrupt the donor or acceptor splice site typically lead to a loss of protein function (PMID: 16199547), and loss-of-function variants in MALT1 are known to be pathogenic (PMID: 23727036, 25627829). This variant is not present in population databases (gnomAD no frequency). Disruption of this splice site has been observed in individual(s) with combined immunodeficiency (PMID: 25627829). ClinVar contains an entry for this variant (Variation ID: 242617). Algorithms developed to predict the effect of sequence changes on RNA splicing suggest that this variant may disrupt the consensus splice site. In summary, the currently available evidence indicates that the variant is pathogenic, but additional data are needed to prove that conclusively. Therefore, this variant has been classified as Likely Pathogenic.

Literature cited by the submitters: PubMed 16199547; PubMed 23727036; PubMed 25627829.